The following is an entry in ClinVar:

NM_199420.4(POLQ):c.499A>C (p.Lys167Gln)

Gene: POLQ (DNA polymerase theta; minus strand). Cytogenetic location: 3q13.33.
Variant type: single nucleotide variant.
Coding change: c.499A>C on transcript NM_199420.4 (MANE Select); coding-DNA position 499, A replaced by C.
Protein change: p.Lys167Gln; replaces lysine 167 with glutamine.
Molecular consequence: missense variant.
Genome position (GRCh38, 1-based): chr3:121,539,565, T>G on the plus strand (A>C on the coding strand, the complement: POLQ is on the minus strand). VCF-style: chr3-121539565-T-G. GRCh37 (hg19) VCF-style: chr3-121258412-T-G.
Other names: short protein forms K167Q.
Identifiers: ClinVar variation 3230031 (VCV003230031.1), dbSNP rs2546824612, ClinGen allele CA354091424.
Genomic context (GRCh38, chr3:121,539,565, plus strand): 5'-CAATATCCAATGAAGAGAAATGCCTTGATGGAGAGGTGCTGCCCATATAACCGTCTACTT[T>G]TATTCCTACTTCCTGAAACAGACTCTGAATTGAGTAAAAAGGAACAATACAGGTGAAAAA-3'
Protein context (NP_955452.3, residues 157-177): LQSLFQEVGI[Lys167Gln]VDGYMGSTSP

ClinVar aggregate classification (germline): Uncertain significance (1 of 4 stars; one submission).

Submission:

Ambry Genetics
Classification: Uncertain significance. Last evaluated: 2023-10-13. Review status: criteria provided, single submitter. Criteria: Ambry Variant Classification Scheme 2023. Collection method: clinical testing. Allele origin: germline.
Comment: The p.K167Q variant (also known as c.499A>C), located in coding exon 4 of the POLQ gene, results from an A to C substitution at nucleotide position 499. The lysine at codon 167 is replaced by glutamine, an amino acid with similar properties. This amino acid position is conserved. In addition, this alteration is predicted to be tolerated by in silico analysis. Since supporting evidence is limited at this time, the clinical significance of this alteration remains unclear.